The following is an entry in ClinVar:

NM_000601.6(HGF):c.1421C>A (p.Thr474Lys)

Gene: HGF (hepatocyte growth factor; minus strand). Cytogenetic location: 7q21.11.
Variant type: single nucleotide variant.
Coding change: c.1421C>A on transcript NM_000601.6 (MANE Select); coding-DNA position 1421, C replaced by A.
Protein change: p.Thr474Lys; replaces threonine 474 with lysine.
Molecular consequence: missense variant.
Genome position (GRCh38, 1-based): chr7:81,711,504, G>T on the plus strand (C>A on the coding strand, the complement: HGF is on the minus strand). VCF-style: chr7-81711504-G-T. GRCh37 (hg19) VCF-style: chr7-81340820-G-T.
Other names: c.1406C>A, p.Thr469Lys (NM_001010932.3); short protein forms T469K, T474K.
Identifiers: ClinVar variation 1524963 (VCV001524963.6), dbSNP rs2115806448, ClinGen allele CA367873457.

ClinVar aggregate classification (germline): Uncertain significance (1 of 4 stars; one submission).

Submission:

Labcorp Genetics (formerly Invitae), Labcorp
Classification: Uncertain significance. Last evaluated: 2021-10-13. Review status: criteria provided, single submitter. Criteria: Invitae Variant Classification Sherloc (09022015). Collection method: clinical testing. Allele origin: germline.
Comment: This sequence change replaces threonine with lysine at codon 474 of the HGF protein (p.Thr474Lys). The threonine residue is moderately conserved and there is a moderate physicochemical difference between threonine and lysine. This variant is not present in population databases (ExAC no frequency). This variant has not been reported in the literature in individuals affected with HGF-related conditions. Algorithms developed to predict the effect of missense changes on protein structure and function are either unavailable or do not agree on the potential impact of this missense change (SIFT: "Not Available"; PolyPhen-2: "Benign"; Align-GVGD: "Not Available"). In summary, the available evidence is currently insufficient to determine the role of this variant in disease. Therefore, it has been classified as a Variant of Uncertain Significance.